The following is an entry in ClinVar:

ClinVar aggregate classification (germline): Uncertain significance. Review status: criteria provided, single submitter (1 of 4 stars). 2 submissions from 2 submitters: Uncertain significance (1). 1 of the submissions does not count toward it. Last evaluated 2025-10-21.

Conditions:
RTEL1-related disorder. Also called: RTEL1-related condition; RTEL1-related disorders.
Pulmonary fibrosis and/or bone marrow failure, Telomere-related, 3. Also called: PULMONARY FIBROSIS AND/OR BONE MARROW FAILURE SYNDROME, TELOMERE-RELATED, 3. Identifiers: Orphanet 2032, MedGen C4225346, MONDO:0014613, OMIM 616373.
Dyskeratosis congenita, autosomal recessive 5 (DKCB5). Identifiers: MedGen C3554656, MONDO:0014076, OMIM 615190.

Allele frequency attached by ClinVar (database versions not stated): gnomAD exomes below 0.00001.
gnomAD v4.1: 2 of 1,601,444 alleles (0.00012%); highest among the groups gnomAD compares: Admixed American, 0.0034%; no homozygotes.

Submissions (2):

Labcorp Genetics (formerly Invitae), Labcorp
Classification: Uncertain significance for Dyskeratosis congenita, autosomal recessive 5; Pulmonary fibrosis and/or bone marrow failure, Telomere-related, 3. Last evaluated: 2025-10-21. Review status: criteria provided, single submitter. Criteria: Invitae Variant Classification Sherloc (09022015). Collection method: clinical testing. Allele origin: germline.
Comment: This sequence change replaces proline, which is neutral and non-polar, with serine, which is neutral and polar, at codon 826 of the RTEL1 protein (p.Pro826Ser). This variant is present in population databases (no rsID available, gnomAD 0.003%). This variant has not been reported in the literature in individuals affected with RTEL1-related conditions. ClinVar contains an entry for this variant (Variation ID: 2200110). An algorithm developed to predict the effect of missense changes on protein structure and function outputs the following: PolyPhen-2: "Benign". The serine amino acid residue is found in multiple mammalian species, which suggests that this missense change does not adversely affect protein function. In summary, the available evidence is currently insufficient to determine the role of this variant in disease. Therefore, it has been classified as a Variant of Uncertain Significance.

PreventionGenetics, part of Exact Sciences
Classification: Uncertain significance for RTEL1-related condition. Last evaluated: 2024-06-15. Review status: no assertion criteria provided. Collection method: clinical testing. Allele origin: germline. Not counted in ClinVar's aggregate classification.
Comment: The RTEL1 c.2548C>T variant is predicted to result in the amino acid substitution p.Pro850Ser. To our knowledge, this variant has not been reported in the literature. This variant is reported in 0.0061% of alleles in individuals of Latino descent in gnomAD. At this time, the clinical significance of this variant is uncertain due to the absence of conclusive functional and genetic evidence.

NM_001283009.2(RTEL1):c.2476C>T (p.Pro826Ser)

Genes: RTEL1 (regulator of telomere elongation helicase 1; plus strand), RTEL1-TNFRSF6B (RTEL1-TNFRSF6B readthrough (NMD candidate); plus strand). Cytogenetic location: 20q13.33.
Variant type: single nucleotide variant.
Coding change: c.2476C>T on transcript NM_001283009.2 (MANE Select); coding-DNA position 2476, C replaced by T.
Protein change: p.Pro826Ser; replaces proline 826 with serine.
Molecular consequence: missense variant. On other transcripts: non-coding transcript variant (1).
Genome position (GRCh38, 1-based): chr20:63,690,867, C>T. VCF-style: chr20-63690867-C-T. GRCh37 (hg19) VCF-style: chr20-62322220-C-T.
Other names: c.1807C>T, p.Pro603Ser (NM_001283010.1); c.2476C>T, p.Pro826Ser (NM_016434.4); c.2548C>T, p.Pro850Ser (NM_032957.5); c.2548C>T (NM_032957.4); short protein forms P826S, P603S, P850S.
Identifiers: ClinVar variation 2200110 (VCV002200110.5), dbSNP rs1333134074, ClinGen allele CA409681589.
Genomic context (GRCh38, chr20:63,690,867, plus strand): 5'-TCACCAGCTGCCGGGGACCCCGAGAGTAGCCTGTGTGTGGAGTATGAGCAGGAGCCAGTT[C>T]CTGCCCGGCAGAGGCCCAGGGGGCTGCTGGCCGCCCTGGAGCACAGCGAACAGCGGGCGG-3'
Protein context (NP_001269938.1, residues 816-836): LCVEYEQEPV[Pro826Ser]ARQRPRGLLA